The following is an entry in ClinVar:

NM_004064.5(CDKN1B):c.389del (p.Leu130fs)

Gene: CDKN1B (cyclin dependent kinase inhibitor 1B; plus strand). Cytogenetic location: 12p13.1.
Variant type: Deletion.
Coding change: c.389del on transcript NM_004064.5 (MANE Select); coding-DNA position 389, one base deleted (T; older notation c.389delT).
Protein change: p.Leu130fs; shifts the reading frame from leucine 130.
Molecular consequence: frameshift variant.
Genome position (GRCh38, 1-based): chr12:12,718,228, T deleted; the last of 3 consecutive T bases (chr12:12,718,226-12,718,228); deleting any one gives the same sequence. VCF-style (leftmost placement, unchanged base first): chr12-12718225-AT-A. GRCh37 (hg19) VCF-style: chr12-12871159-AT-A.
Other names: short protein forms L130fs.
Identifiers: ClinVar variation 2450781 (VCV002450781.2), dbSNP rs2497405541, ClinGen allele CA2580085206.

ClinVar aggregate classification (germline): Pathogenic (1 of 4 stars; one submission).

Conditions:
Hereditary cancer-predisposing syndrome. Also called: Neoplastic Syndromes, Hereditary; Tumor predisposition; Hereditary neoplastic syndrome; Hereditary Cancer Syndrome. Identifiers: Orphanet 140162, MedGen C0027672, MeSH D009386, MONDO:0015356.

Submission:

Ambry Genetics
Classification: Pathogenic for Hereditary cancer-predisposing syndrome. Last evaluated: 2022-12-28. Review status: criteria provided, single submitter. Criteria: Ambry Variant Classification Scheme 2023. Collection method: clinical testing. Allele origin: germline.
Comment: The c.389delT pathogenic mutation, located in coding exon 1 of the CDKN1B gene, results from a deletion of one nucleotide at nucleotide position 389, causing a translational frameshift with a predicted alternate stop codon (p.L130Wfs*15). This variant is considered to be rare based on population cohorts in the Genome Aggregation Database (gnomAD). This alteration is expected to result in loss of function by premature protein truncation or nonsense-mediated mRNA decay. As such, this alteration is interpreted as a disease-causing mutation.